The following is an entry in ClinVar:

ClinVar aggregate classification (germline): Uncertain significance (1 of 4 stars; one submission).

Conditions:
Generalized epilepsy with febrile seizures plus, type 7 (GEFSP7). Also called: GEFS+, TYPE 7. Identifiers: Orphanet 36387, MedGen C2751778, MONDO:0013470, OMIM 613863.
Neuropathy, hereditary sensory and autonomic, type 2A (HSAN2A). Also called: HSAN IIA; ACROOSTEOLYSIS, GIACCAI TYPE; ACROOSTEOLYSIS, NEUROGENIC; NEUROPATHY, CONGENITAL SENSORY; NEUROPATHY, HEREDITARY SENSORY RADICULAR, AUTOSOMAL RECESSIVE; NEUROPATHY, HEREDITARY SENSORY, TYPE IIA. Identifiers: Orphanet 970, MedGen C2752089, MONDO:0024309, OMIM 201300.

Submission:

Labcorp Genetics (formerly Invitae), Labcorp
Classification: Uncertain significance for Neuropathy, hereditary sensory and autonomic, type 2A; Generalized epilepsy with febrile seizures plus, type 7. Last evaluated: 2024-08-05. Review status: criteria provided, single submitter. Criteria: Invitae Variant Classification Sherloc (09022015). Collection method: clinical testing. Allele origin: germline.
Comment: This sequence change replaces proline, which is neutral and non-polar, with leucine, which is neutral and non-polar, at codon 148 of the SCN9A protein (p.Pro148Leu). Information on the frequency of this variant in the gnomAD database is not available, as this variant may be reported differently in the database. This variant has not been reported in the literature in individuals affected with SCN9A-related conditions. ClinVar contains an entry for this variant (Variation ID: 1433661). An algorithm developed to predict the effect of missense changes on protein structure and function (PolyPhen-2) suggests that this variant is likely to be tolerated. In summary, the available evidence is currently insufficient to determine the role of this variant in disease. Therefore, it has been classified as a Variant of Uncertain Significance.

NM_001365536.1(SCN9A):c.443_444inv (p.Pro148Leu)

Gene: SCN9A (sodium voltage-gated channel alpha subunit 9; minus strand). Cytogenetic location: 2q24.3.
Variant type: Inversion.
Coding change: c.443_444inv on transcript NM_001365536.1 (MANE Select).
Protein change: p.Pro148Leu; replaces proline 148 with leucine.
Molecular consequence: missense variant.
Genome position: GRCh38 VCF-style: chr2-166306533-TG-CA. GRCh37 (hg19) VCF-style: chr2-167163043-TG-CA.
Other names: c.443_444invCA, p.Pro148Leu (NM_002977.4); short protein forms P148L.
Identifiers: ClinVar variation 1433661 (VCV001433661.6), ClinGen allele CA2573133558.